The following is an entry in ClinVar:

NM_007126.5(VCP):c.254A>G (p.Asn85Ser)

Gene: VCP (valosin containing protein; minus strand). Cytogenetic location: 9p13.3.
Variant type: single nucleotide variant.
Coding change: c.254A>G on transcript NM_007126.5 (MANE Select); coding-DNA position 254, A replaced by G.
Protein change: p.Asn85Ser; replaces asparagine 85 with serine.
Molecular consequence: missense variant.
Genome position (GRCh38, 1-based): chr9:35,067,939, T>C on the plus strand (A>G on the coding strand, the complement: VCP is on the minus strand). VCF-style: chr9-35067939-T-C. GRCh37 (hg19) VCF-style: chr9-35067936-T-C.
Other names: c.119A>G, p.Asn40Ser (NM_001354927.2, NM_001354928.2); short protein forms N40S, N85S.
Identifiers: ClinVar variation 3762953 (VCV003762953.2).
Genomic context (GRCh38, chr9:35,067,939, plus strand): 5'-CCCCACACACACCTGATGACATCCCCTAGGCGTACACGAAGGTTATTCCGAACAACTCTA[T>C]TCATCCGAATCTTCTCATCAGAACAAGTATCATCAGAAAGGACGATGCAAACAGCTTCTC-3'
Protein context (NP_009057.1, residues 75-95): DTCSDEKIRM[Asn85Ser]RVVRNNLRVR

ClinVar aggregate classification (germline): Uncertain significance (1 of 4 stars; one submission).

Conditions:
Inclusion body myopathy with Paget disease of bone and frontotemporal dementia. Also called: Inclusion body myopathy with early-onset Paget disease and frontotemporal dementia. Identifiers: Orphanet 52430, MedGen C1833662, MONDO:0000507.
Frontotemporal dementia and/or amyotrophic lateral sclerosis 6 (FTDALS6). Also called: VCP-Related Amyotrophic Lateral Sclerosis; VCP-Related Amyotrophic Lateral Sclerosis/Frontotemporal Dementia. Identifiers: Orphanet 275872, Orphanet 803, MedGen C5436279, MONDO:0013501, OMIM 613954.

Submission:

Labcorp Genetics (formerly Invitae), Labcorp
Classification: Uncertain significance for Inclusion body myopathy with Paget disease of bone and frontotemporal dementia; Frontotemporal dementia and/or amyotrophic lateral sclerosis 6. Last evaluated: 2024-06-07. Review status: criteria provided, single submitter. Criteria: Invitae Variant Classification Sherloc (09022015). Collection method: clinical testing. Allele origin: germline.
Comment: This sequence change replaces asparagine, which is neutral and polar, with serine, which is neutral and polar, at codon 85 of the VCP protein (p.Asn85Ser). This variant is not present in population databases (gnomAD no frequency). This variant has not been reported in the literature in individuals affected with VCP-related conditions. An algorithm developed to predict the effect of missense changes on protein structure and function (PolyPhen-2) suggests that this variant is likely to be tolerated. In summary, the available evidence is currently insufficient to determine the role of this variant in disease. Therefore, it has been classified as a Variant of Uncertain Significance.